The following is an entry in ClinVar:

NM_000038.6(APC):c.450_483del (p.Lys150fs)

Gene: APC (APC regulator of Wnt signaling pathway; plus strand). Cytogenetic location: 5q22.2.
Variant type: Deletion.
Coding change: c.450_483del on transcript NM_000038.6 (MANE Select); coding-DNA positions 450 to 483, 34 bases deleted.
Protein change: p.Lys150fs; shifts the reading frame from lysine 150.
Molecular consequence: frameshift variant. On other transcripts: 5 prime UTR variant (4), non-coding transcript variant (2).
Genome position (GRCh38, 1-based): chr5:112,775,656-112,775,689, 34 bases deleted; deleting any 34 consecutive bases within chr5:112,775,653-112,775,689 gives the same sequence; the c. name uses the placement nearest the transcript's 3' end. GRCh37 (hg19): chr5:112,111,353-112,111,386.
Other names: c.450_483del, p.Lys150fs (NM_001127510.3, NM_001354895.2, NM_001354896.2 and 16 more transcripts); c.480_513del, p.Lys160fs (NM_001127511.3, NM_001354897.2, NM_001354902.2 and 1 more transcripts); c.375_408del, p.Lys125fs (NM_001354898.2, NM_001354904.2, NM_001407451.1); c.273_306del, p.Lys91fs (NM_001354900.2, NM_001354901.2, NM_001354905.2 and 1 more transcripts); c.-586_-553del (NM_001354906.2, NM_001407470.1, NM_001407471.1 and 1 more transcripts); short protein forms K125fs, K150fs, K160fs, K91fs.
Identifiers: ClinVar variation 2501057 (VCV002501057.4), dbSNP rs2532411795, ClinGen allele CA2580613620.

ClinVar aggregate classification (germline): Pathogenic/Likely pathogenic. Review status: criteria provided, multiple submitters, no conflicts (2 of 4 stars). 2 submissions from 2 submitters: Pathogenic (1); Likely pathogenic (1). Last evaluated 2023-04-09.

Conditions:
Familial multiple polyposis syndrome (FAP). Also called: Familial adenomatous polyposis; Familial intestinal polyposis; Classic familial adenomatous polyposis; Familial Adenomatous Polyposis (FAP); Familial polyposis. Identifiers: Orphanet 733, MedGen C0032580, MONDO:0021055. Disease mechanism: loss of function.
Familial adenomatous polyposis 1 (FAP1). Also called: POLYPOSIS, ADENOMATOUS INTESTINAL; FAMILIAL ADENOMATOUS POLYPOSIS 1, ATTENUATED. Identifiers: MedGen C2713442, MONDO:0021056, OMIM 175100. Disease mechanism: loss of function.

Submissions (2):

Labcorp Genetics (formerly Invitae), Labcorp
Classification: Pathogenic for Familial adenomatous polyposis 1. Last evaluated: 2023-04-09. Review status: criteria provided, single submitter. Criteria: Invitae Variant Classification Sherloc (09022015). Collection method: clinical testing. Allele origin: germline.
Comment: For these reasons, this variant has been classified as Pathogenic. Algorithms developed to predict the effect of sequence changes on RNA splicing suggest that this variant may disrupt the consensus splice site. This variant has not been reported in the literature in individuals affected with APC-related conditions. This variant is not present in population databases (gnomAD no frequency). This sequence change creates a premature translational stop signal (p.Lys150Asnfs*9) in the APC gene. It is expected to result in an absent or disrupted protein product. Loss-of-function variants in APC are known to be pathogenic (PMID: 17963004, 20685668).

Women's Health and Genetics/Laboratory Corporation of America, LabCorp
Classification: Likely pathogenic for Familial multiple polyposis syndrome. Last evaluated: 2023-03-31. Review status: criteria provided, single submitter. Criteria: LabCorp Variant Classification Summary - May 2015. Collection method: clinical testing. Allele origin: germline.
Comment: Variant summary: APC c.450_483del34 (p.Lys150AsnfsX9) results in a premature termination codon, predicted to cause a truncation of the encoded protein or absence of the protein due to nonsense mediated decay, which are commonly known mechanisms for disease. Truncations downstream of this position have been classified as pathogenic by our laboratory. The variant was absent in 246912 control chromosomes (gnomAD). To our knowledge, no occurrence of c.450_483del34 in individuals affected with Familial Adenomatous Polyposis and no experimental evidence demonstrating its impact on protein function have been reported. No clinical diagnostic laboratories have submitted clinical-significance assessments for this variant to ClinVar after 2014. Based on the evidence outlined above, the variant was classified as likely pathogenic.

Literature cited by the submitters: PubMed 17963004 (cited by Labcorp Genetics (formerly Invitae), Labcorp); PubMed 20685668 (cited by Labcorp Genetics (formerly Invitae), Labcorp).